The following is an entry in ClinVar:

NM_001277115.2(DNAH11):c.11967+4A>C

Gene: DNAH11 (dynein axonemal heavy chain 11; plus strand). Cytogenetic location: 7p15.3.
Variant type: single nucleotide variant.
Coding change: c.11967+4A>C on transcript NM_001277115.2 (MANE Select); 4 bases into the intron after coding-DNA position 11967, A replaced by C.
Molecular consequence: intron variant.
Genome position (GRCh38, 1-based): chr7:21,868,995, A>C. VCF-style: chr7-21868995-A-C. GRCh37 (hg19) VCF-style: chr7-21908613-A-C.
Identifiers: ClinVar variation 1312452 (VCV001312452.2), dbSNP rs2128035778, ClinGen allele CA2573052857.

ClinVar aggregate classification (germline): Uncertain significance (1 of 4 stars; one submission).

Submission:

GeneDx
Classification: Uncertain significance. Last evaluated: 2020-02-11. Review status: criteria provided, single submitter. Criteria: GeneDx Variant Classification Process June 2021. Collection method: clinical testing. Allele origin: germline. Affected: yes.
Comment: Not observed in large population cohorts (Lek et al., 2016); In-silico analysis, which includes splice predictors and evolutionary conservation, is inconclusive as to whether the variant alters gene splicing. In the absence of RNA/functional studies, the actual effect of this sequence change is unknown.; Has not been previously published as pathogenic or benign to our knowledge